The following is an entry in ClinVar:

NM_000070.3(CAPN3):c.506G>A (p.Arg169His)

Gene: CAPN3 (calpain 3; plus strand). Cytogenetic location: 15q15.1.
Variant type: single nucleotide variant.
Coding change: c.506G>A on transcript NM_000070.3 (MANE Select); coding-DNA position 506, G replaced by A.
Protein change: p.Arg169His; replaces arginine 169 with histidine.
Molecular consequence: missense variant.
Genome position (GRCh38, 1-based): chr15:42,387,760, G>A. VCF-style: chr15-42387760-G-A. GRCh37 (hg19) VCF-style: chr15-42679958-G-A.
Other names: c.506G>A, p.Arg169His (NM_024344.2, NM_173087.2); c.245G>A, p.Arg82His (NM_212464.2); c.*199G>A (NM_212467.2); short protein forms R169H, R82H.
Identifiers: ClinVar variation 2680373 (VCV002680373.2), dbSNP rs1459943941, ClinGen allele CA391997757.

ClinVar aggregate classification (germline): Conflicting classifications of pathogenicity. Review status: criteria provided, conflicting classifications (1 of 4 stars). 2 submissions from 2 submitters: Likely pathogenic (1); Uncertain significance (1). Last evaluated 2023-08-01.

Conditions:
Autosomal recessive limb-girdle muscular dystrophy type 2A (LGMDR1). Also called: Calpainopathy; Muscular dystrophy, limb-girdle, type 2A, Amish; LEYDEN-MOEBIUS MUSCULAR DYSTROPHY; MUSCULAR DYSTROPHY, PELVOFEMORAL; Limb-girdle muscular dystrophy, type 2A. Identifiers: Orphanet 267, MedGen C1869123, MONDO:0009675, OMIM 253600. Disease mechanism: loss of function.
Muscular dystrophy, limb-girdle, autosomal dominant 4. Also called: Calpain-3-related limb-girdle muscular dystrophy D4; MUSCULAR DYSTROPHY, LIMB-GIRDLE, TYPE 1I. Identifiers: Orphanet 565909, MedGen C4748295, MONDO:0029133, OMIM 618129.

Allele frequency attached by ClinVar (database versions not stated): gnomAD 0.00001; TOPMed 0.00001.
gnomAD v4.1: 17 of 1,614,060 alleles (0.0011%); highest among the groups gnomAD compares: East Asian, 0.0022%; no homozygotes.

Submissions (2):

Baylor Genetics
Classification: Likely pathogenic for Muscular dystrophy, limb-girdle, autosomal dominant 4. Last evaluated: 2023-08-01. Review status: criteria provided, single submitter. Criteria: ACMG Guidelines, 2015. Collection method: clinical testing. Allele origin: unknown.

Labcorp Genetics (formerly Invitae), Labcorp
Classification: Uncertain significance for Autosomal recessive limb-girdle muscular dystrophy type 2A. Last evaluated: 2023-07-28. Review status: criteria provided, single submitter. Criteria: Invitae Variant Classification Sherloc (09022015). Collection method: clinical testing. Allele origin: germline.
Comment: This missense change has been observed in individual(s) with limb-girdle muscular dystrophy (PMID: 32646536). This sequence change replaces arginine, which is basic and polar, with histidine, which is basic and polar, at codon 169 of the CAPN3 protein (p.Arg169His). This variant is present in population databases (no rsID available, gnomAD 0.006%). Advanced modeling of protein sequence and biophysical properties (such as structural, functional, and spatial information, amino acid conservation, physicochemical variation, residue mobility, and thermodynamic stability) performed at Invitae indicates that this missense variant is not expected to disrupt CAPN3 protein function. This variant disrupts the p.Arg169 amino acid residue in CAPN3. Other variant(s) that disrupt this residue have been observed in individuals with CAPN3-related conditions (Invitae), which suggests that this may be a clinically significant amino acid residue. In summary, the available evidence is currently insufficient to determine the role of this variant in disease. Therefore, it has been classified as a Variant of Uncertain Significance.

Literature cited by the submitters: PubMed 32646536 (cited by Labcorp Genetics (formerly Invitae), Labcorp).